The following is an entry in ClinVar:

NM_139343.3(BIN1):c.784A>C (p.Asn262His)

Gene: BIN1 (bridging integrator 1; minus strand). Cytogenetic location: 2q14.3.
Variant type: single nucleotide variant.
Coding change: c.784A>C on transcript NM_139343.3 (MANE Select); coding-DNA position 784, A replaced by C.
Protein change: p.Asn262His; replaces asparagine 262 with histidine.
Molecular consequence: missense variant.
Genome position (GRCh38, 1-based): chr2:127,062,188, T>G on the plus strand (A>C on the coding strand, the complement: BIN1 is on the minus strand). VCF-style: chr2-127062188-T-G. GRCh37 (hg19) VCF-style: chr2-127819764-T-G.
Other names: c.784A>C (NM_139343.2); c.691A>C, p.Asn231His (NM_001320632.2, NM_001320641.2, NM_004305.4 and 6 more transcripts); c.784A>C, p.Asn262His (NM_001320633.2, NM_001320640.2, NM_139344.3 and 1 more transcripts); c.619A>C, p.Asn207His (NM_001320634.1); c.703A>C, p.Asn235His (NM_001320642.1); short protein forms N231H, N262H, N207H, N235H.
Identifiers: ClinVar variation 1400065 (VCV001400065.10), dbSNP rs1331854784, ClinGen allele CA348381325.

ClinVar aggregate classification (germline): Uncertain significance. Review status: criteria provided, multiple submitters, no conflicts (2 of 4 stars). 2 submissions from 2 submitters: Uncertain significance (2). Last evaluated 2022-08-09.

Conditions:
Myopathy, centronuclear, 2 (CNM2). Also called: MYOTUBULAR MYOPATHY, AUTOSOMAL RECESSIVE. Identifiers: Orphanet 169186, MedGen CN031787, MONDO:0009709, OMIM 255200.

Allele frequency attached by ClinVar (database versions not stated): gnomAD 0.00001; TOPMed below 0.00001; gnomAD exomes below 0.00001.
gnomAD v4.1: 6 of 1,607,760 alleles (0.00037%); highest among the groups gnomAD compares: Non-Finnish European, 0.00051%; no homozygotes.

Submissions (2):

Labcorp Genetics (formerly Invitae), Labcorp
Classification: Uncertain significance for Myopathy, centronuclear, 2. Last evaluated: 2022-08-09. Review status: criteria provided, single submitter. Criteria: Invitae Variant Classification Sherloc (09022015). Collection method: clinical testing. Allele origin: germline.
Comment: In summary, the available evidence is currently insufficient to determine the role of this variant in disease. Therefore, it has been classified as a Variant of Uncertain Significance. Algorithms developed to predict the effect of missense changes on protein structure and function are either unavailable or do not agree on the potential impact of this missense change (SIFT: "Tolerated"; PolyPhen-2: "Possibly Damaging"; Align-GVGD: "Class C0"). ClinVar contains an entry for this variant (Variation ID: 1400065). This variant has not been reported in the literature in individuals affected with BIN1-related conditions. This variant is present in population databases (no rsID available, gnomAD 0.0009%). This sequence change replaces asparagine, which is neutral and polar, with histidine, which is basic and polar, at codon 262 of the BIN1 protein (p.Asn262His).

Revvity Omics, Revvity
Classification: Uncertain significance for Myopathy, centronuclear, 2. Last evaluated: 2019-08-02. Review status: criteria provided, single submitter. Criteria: ACMG Guidelines, 2015. Collection method: clinical testing. Allele origin: germline.